The following is an entry in ClinVar:

ClinVar aggregate classification (germline): Benign/Likely benign. Review status: criteria provided, multiple submitters, no conflicts (2 of 4 stars). 5 submissions from 5 submitters: Benign (1); Likely benign (3). 1 of the submissions does not count toward it. Last evaluated 2025-10-23.

Conditions:
Hereditary cancer-predisposing syndrome. Also called: Tumor predisposition; Hereditary neoplastic syndrome; Neoplastic Syndromes, Hereditary; Hereditary Cancer Syndrome. Identifiers: Orphanet 140162, MedGen C0027672, MeSH D009386, MONDO:0015356.
Familial adenomatous polyposis 1 (FAP1). Also called: FAMILIAL ADENOMATOUS POLYPOSIS 1, ATTENUATED; POLYPOSIS, ADENOMATOUS INTESTINAL. Identifiers: MedGen C2713442, MONDO:0021056, OMIM 175100. Disease mechanism: loss of function.

Allele frequency attached by ClinVar (database versions not stated): gnomAD exomes below 0.00001; gnomAD 0.00001.
gnomAD v4.1: 5 of 1,548,828 alleles (0.00032%); highest among the groups gnomAD compares: African/African-American, 0.0014%; no homozygotes.

Submissions (5):

Labcorp Genetics (formerly Invitae), Labcorp
Classification: Likely benign for Familial adenomatous polyposis 1. Last evaluated: 2025-10-23. Review status: criteria provided, single submitter. Criteria: Invitae Variant Classification Sherloc (09022015). Collection method: clinical testing. Allele origin: germline.

Myriad Genetics, Inc.
Classification: Likely benign for Familial adenomatous polyposis 1. Last evaluated: 2023-02-15. Review status: criteria provided, single submitter. Criteria: Myriad Autosomal Dominant, Autosomal Recessive and X-Linked Classification Criteria (2023). Collection method: clinical testing. Allele origin: unknown.
Comment: This variant is considered likely benign. This variant is intronic and is not expected to impact mRNA splicing.

Color Diagnostics, LLC DBA Color Health
Classification: Likely benign for Hereditary cancer-predisposing syndrome. Last evaluated: 2018-06-05. Review status: criteria provided, single submitter. Criteria: ACMG Guidelines, 2015. Collection method: clinical testing. Allele origin: germline.

GeneDx
Classification: Benign. Last evaluated: 2015-06-30. Review status: criteria provided, single submitter. Criteria: GeneDx Variant Classification Process June 2021. Collection method: clinical testing. Allele origin: germline. Affected: yes.

Counsyl
Classification: Likely benign for Familial adenomatous polyposis 1. Last evaluated: 2016-11-07. Review status: no assertion criteria provided. Collection method: clinical testing. Allele origin: unknown. Not counted in ClinVar's aggregate classification.

NM_000038.6(APC):c.646-20G>A

Gene: APC (APC regulator of Wnt signaling pathway; plus strand). Cytogenetic location: 5q22.2.
Variant type: single nucleotide variant.
Coding change: c.646-20G>A on transcript NM_000038.6 (MANE Select); 20 bases into the intron before coding-DNA position 646, G replaced by A.
Molecular consequence: intron variant.
Genome position (GRCh38, 1-based): chr5:112,792,426, G>A. VCF-style: chr5-112792426-G-A. GRCh37 (hg19) VCF-style: chr5-112128123-G-A.
Other names: c.646-20G>A (NM_001354895.2, NM_001127510.3, NM_001354896.2 and 1 more transcripts); c.676-20G>A (NM_001354897.2, NM_001354902.2); c.676-8853G>A (NM_001127511.3); c.571-20G>A (NM_001354898.2, NM_001354904.2); c.-390-20G>A (NM_001354906.2); c.646-8853G>A (NM_001354899.2); c.469-20G>A (NM_001354900.2, NM_001354901.2, NM_001354905.2).
Identifiers: ClinVar variation 372063 (VCV000372063.15), dbSNP rs1057517635, ClinGen allele CA16042088.
Genomic context (GRCh38, chr5:112,792,426, plus strand): 5'-AAGTGGTAGCCATAGTATGATTATTTCTATTAATATTATTAATAAAAACATAACTAATTA[G>A]GTTTCTTGTTTTATTTTAGCGAAGAATAGCCAGAATTCAGCAAATCGAAAAGGACATACT-3'